The following is an entry in ClinVar:

NM_152631.3(FAM47B):c.585G>A (p.Pro195=)

Gene: FAM47B (family with sequence similarity 47 member B; plus strand). Cytogenetic location: Xp21.1.
Variant type: single nucleotide variant.
Coding change: c.585G>A on transcript NM_152631.3 (MANE Select); coding-DNA position 585, G replaced by A.
Protein change: p.Pro195=; no amino-acid change (proline 195 retained).
Molecular consequence: synonymous variant.
Genome position (GRCh38, 1-based): chrX:34,943,416, G>A. VCF-style: chrX-34943416-G-A. GRCh37 (hg19) VCF-style: chrX-34961533-G-A.
Identifiers: ClinVar variation 2660256 (VCV002660256.24), dbSNP rs751015850, ClinGen allele CA10380944.

ClinVar aggregate classification (germline): Likely benign (1 of 4 stars; one submission).

Allele frequency attached by ClinVar (database versions not stated): ExAC 0.00001; gnomAD exomes 0.00001; TOPMed 0.00003.
gnomAD v4.1: 9 of 1,208,009 alleles (0.00075%); highest among the groups gnomAD compares: Admixed American, 0.0022%; no homozygotes.

Submission:

CeGaT Center for Human Genetics Tuebingen
Classification: Likely benign. Last evaluated: 2022-11-01. Review status: criteria provided, single submitter. Criteria: CeGaT Center For Human Genetics Tuebingen Variant Classification Criteria Version 2. Collection method: clinical testing. Allele origin: germline. Affected: yes. Observed: 1 variant allele.
Comment: FAM47B: BP4, BP7